The following is an entry in ClinVar:

ClinVar aggregate classification (germline): Conflicting classifications of pathogenicity. Review status: criteria provided, conflicting classifications (1 of 4 stars). 3 submissions from 3 submitters: Uncertain significance (2); Likely benign (1). Last evaluated 2025-04-23.

Conditions:
Hereditary cancer-predisposing syndrome. Also called: Hereditary Cancer Syndrome; Neoplastic Syndromes, Hereditary; Tumor predisposition; Hereditary neoplastic syndrome. Identifiers: Orphanet 140162, MedGen C0027672, MeSH D009386, MONDO:0015356.
Rhabdoid tumor predisposition syndrome 2 (RTPS2). Identifiers: Orphanet 231108, Orphanet 69077, MedGen C2750074, MONDO:0013224, OMIM 613325.

Allele frequency attached by ClinVar (database versions not stated): gnomAD exomes 0.00001.
gnomAD v4.1: 6 of 1,612,594 alleles (0.00037%); highest among the groups gnomAD compares: Non-Finnish European, 0.00034%; no homozygotes.

Submissions (3):

Ambry Genetics
Classification: Likely benign for Hereditary cancer-predisposing syndrome. Last evaluated: 2025-04-23. Review status: criteria provided, single submitter. Criteria: Ambry Variant Classification Scheme 2023. Collection method: clinical testing. Allele origin: germline.

Labcorp Genetics (formerly Invitae), Labcorp
Classification: Uncertain significance for Rhabdoid tumor predisposition syndrome 2. Last evaluated: 2024-04-22. Review status: criteria provided, single submitter. Criteria: Invitae Variant Classification Sherloc (09022015). Collection method: clinical testing. Allele origin: germline.
Comment: This sequence change replaces threonine, which is neutral and polar, with asparagine, which is neutral and polar, at codon 298 of the SMARCA4 protein (p.Thr298Asn). This variant is present in population databases (rs748459210, gnomAD 0.01%). This variant has not been reported in the literature in individuals affected with SMARCA4-related conditions. ClinVar contains an entry for this variant (Variation ID: 480599). Advanced modeling of protein sequence and biophysical properties (such as structural, functional, and spatial information, amino acid conservation, physicochemical variation, residue mobility, and thermodynamic stability) performed at Invitae indicates that this missense variant is not expected to disrupt SMARCA4 protein function with a negative predictive value of 95%. In summary, the available evidence is currently insufficient to determine the role of this variant in disease. Therefore, it has been classified as a Variant of Uncertain Significance.

Baylor Genetics
Classification: Uncertain significance for Rhabdoid tumor predisposition syndrome 2. Last evaluated: 2023-11-26. Review status: criteria provided, single submitter. Criteria: ACMG Guidelines, 2015. Collection method: clinical testing. Allele origin: unknown.

NM_003072.5(SMARCA4):c.893C>A (p.Thr298Asn)

Gene: SMARCA4 (SWI/SNF related BAF chromatin remodeling complex subunit ATPase 4; plus strand). Cytogenetic location: 19p13.2.
Variant type: single nucleotide variant.
Coding change: c.893C>A on transcript NM_003072.5 (MANE Select); coding-DNA position 893, C replaced by A.
Protein change: p.Thr298Asn; replaces threonine 298 with asparagine.
Molecular consequence: missense variant. On other transcripts: non-coding transcript variant (1).
Genome position (GRCh38, 1-based): chr19:10,987,699, C>A. VCF-style: chr19-10987699-C-A. GRCh37 (hg19) VCF-style: chr19-11098375-C-A.
Other names: c.893C>A, p.Thr298Asn (NM_001128844.3, NM_001128845.2, NM_001128846.2 and 5 more transcripts); short protein forms T298N.
Identifiers: ClinVar variation 480599 (VCV000480599.15), dbSNP rs748459210, ClinGen allele CA9203623.